The following is an entry in ClinVar:

ClinVar aggregate classification (germline): Benign. Review status: criteria provided, multiple submitters, no conflicts (2 of 4 stars). 2 submissions from 2 submitters: Benign (2). Last evaluated 2018-06-18.

Allele frequency attached by ClinVar (database versions not stated): gnomAD exomes 0.08669; gnomAD 0.17189 and 0.17755; TOPMed 0.18324; 1000 Genomes Project 0.18730; 1000 Genomes Project 30x 0.19488.

Submissions (2):

GeneDx
Classification: Benign. Last evaluated: 2018-06-18. Review status: criteria provided, single submitter. Criteria: GeneDx Variant Classification (06012015). Collection method: clinical testing. Allele origin: germline. Affected: yes.
Comment: This variant is considered likely benign or benign based on one or more of the following criteria: it is a conservative change, it occurs at a poorly conserved position in the protein, it is predicted to be benign by multiple in silico algorithms, and/or has population frequency not consistent with disease.

Breakthrough Genomics
Classification: Benign. Review status: criteria provided, single submitter. Criteria: ACMG Guidelines, 2015. Collection method: not provided. Allele origin: germline. Inheritance: Autosomal recessive inheritance. Affected: yes.

NM_170707.4(LMNA):c.1699-260C>T

Gene: LMNA (lamin A/C; plus strand). Cytogenetic location: 1q22.
Variant type: single nucleotide variant.
Coding change: c.1699-260C>T on transcript NM_170707.4 (MANE Select); 260 bases into the intron before coding-DNA position 1699, C replaced by T.
Molecular consequence: intron variant.
Genome position (GRCh38, 1-based): chr1:156,138,228, C>T. VCF-style: chr1-156138228-C-T. GRCh37 (hg19) VCF-style: chr1-156108019-C-T.
Other names: c.1699-260C>T (NM_001282626.2); c.1609-260C>T (NM_170708.4); c.1363-260C>T (NM_001257374.3).
Identifiers: ClinVar variation 683615 (VCV000683615.2), dbSNP rs520973, ClinGen allele CA10816044.